The following is an entry in ClinVar:

NM_005006.7(NDUFS1):c.1666A>C (p.Thr556Pro)

Gene: NDUFS1 (NADH:ubiquinone oxidoreductase core subunit S1; minus strand). Cytogenetic location: 2q33.3.
Variant type: single nucleotide variant.
Coding change: c.1666A>C on transcript NM_005006.7 (MANE Select); coding-DNA position 1666, A replaced by C.
Protein change: p.Thr556Pro; replaces threonine 556 with proline.
Molecular consequence: missense variant.
Genome position (GRCh38, 1-based): chr2:206,130,130, T>G on the plus strand (A>C on the coding strand, the complement: NDUFS1 is on the minus strand). VCF-style: chr2-206130130-T-G. GRCh37 (hg19) VCF-style: chr2-206994854-T-G.
Other names: c.1558A>C, p.Thr520Pro (NM_001199981.2); c.1333A>C, p.Thr445Pro (NM_001199982.2); c.1495A>C, p.Thr499Pro (NM_001199983.2); c.1708A>C, p.Thr570Pro (NM_001199984.2); c.1666A>C (NM_005006.6); short protein forms T556P, T570P, T445P, T499P, T520P.
Identifiers: ClinVar variation 1911018 (VCV001911018.7), dbSNP rs377385575, ClinGen allele CA63650342.
Genomic context (GRCh38, chr2:206,130,130, plus strand): 5'-GTCACAGGTGATACTTACCTTGATAAATAATGAAACAATCCTTTGGCAAATCCTGTCGTG[T>G]GATACAACCTCCATCTGCTCCCAGGAGAAACAGCACCTTGGGAGGGTTCTTCCGAATTGC-3'
Protein context (NP_004997.4, residues 546-566): FLLGADGGCI[Thr556Pro]RQDLPKDCFI

ClinVar aggregate classification (germline): Uncertain significance. Review status: criteria provided, multiple submitters, no conflicts (2 of 4 stars). 2 submissions from 2 submitters: Uncertain significance (2). Last evaluated 2023-02-13.

Conditions:
Inborn genetic diseases. Identifiers: MedGen C0950123, MeSH D030342.

Allele frequency attached by ClinVar (database versions not stated): TOPMed below 0.00001; gnomAD exomes 0.00001; ESP Exome Variant Server 0.00008.
gnomAD v4.1: 8 of 1,614,230 alleles (0.0005%); highest among the groups gnomAD compares: Non-Finnish European, 0.00068%; no homozygotes.

Submissions (2):

Ambry Genetics
Classification: Uncertain significance for Inborn genetic diseases. Last evaluated: 2023-02-13. Review status: criteria provided, single submitter. Criteria: Ambry Variant Classification Scheme 2023. Collection method: clinical testing. Allele origin: germline.

Labcorp Genetics (formerly Invitae), Labcorp
Classification: Uncertain significance. Last evaluated: 2022-08-03. Review status: criteria provided, single submitter. Criteria: Invitae Variant Classification Sherloc (09022015). Collection method: clinical testing. Allele origin: germline.
Comment: In summary, the available evidence is currently insufficient to determine the role of this variant in disease. Therefore, it has been classified as a Variant of Uncertain Significance. Algorithms developed to predict the effect of missense changes on protein structure and function are either unavailable or do not agree on the potential impact of this missense change (SIFT: "Deleterious"; PolyPhen-2: "Possibly Damaging"; Align-GVGD: "Class C0"). This variant has not been reported in the literature in individuals affected with NDUFS1-related conditions. This variant is present in population databases (rs377385575, gnomAD 0.0009%). This sequence change replaces threonine, which is neutral and polar, with proline, which is neutral and non-polar, at codon 556 of the NDUFS1 protein (p.Thr556Pro).